The following continues an entry in ClinVar:

NM_000587.4(C7):c.1561C>A (p.Arg521Ser)

Gene: C7. ClinVar aggregate classification (germline): Conflicting classifications of pathogenicity. Pathogenic (8); Likely pathogenic (5); Uncertain significance (5).

Submissions 11 to 20 of 20:

Victorian Clinical Genetics Services, Murdoch Childrens Research Institute
Classification: Pathogenic for Complement component 7 deficiency. Last evaluated: 2023-07-17. Review status: criteria provided, single submitter. Criteria: ACMG Guidelines, 2015. Collection method: clinical testing. Allele origin: germline. Inheritance: Autosomal recessive inheritance.
Comment: Based on the classification scheme VCGS_Germline_v1.3.4, this variant is classified as Pathogenic. Following criteria are met: 0102 - Loss of function is a known mechanism of disease in this gene and is associated with C7 deficiency (MIM#610102). (I) 0106 - This gene is associated with autosomal recessive disease. (I) 0200 - Variant is predicted to result in a missense amino acid change from arginine to serine. (I) 0251 - This variant is heterozygous. (I) 0304 - Variant is present in gnomAD (v2) <0.01 for a recessive condition (653 heterozygotes, 1 homozygote). (SP) 0309 - Multiple alternative amino acid changes at the same position have been observed in gnomAD (v2) (highest allele count: 32 heterozygotes, 0 homozygotes). (I) 0501 - Missense variant consistently predicted to be damaging by multiple in silico tools or highly conserved with a major amino acid change. (SP) 0600 - Variant is located in the annotated thrombospondin type 1 domain (DECIPHER). (I) 0801 - This variant has strong previous evidence of pathogenicity in unrelated individuals. This variant has been reported as a VUS, but more commonly as likely pathogenic or pathogenic (ClinVar). It is known as the C7PD allele, and was observed in multiple heterozygous, compound heterozygous or homozygous individuals with a subtotal or total C7 deficiency. It was also found in a heterozygous individual with an infection of the central nervous system, who had an additional heterozygous variant (c.2381+2T>C) in the C6 gene (PMID: 17407100, PMID: 31440263, PMID: 33386334). (SP) 1002 - This variant has moderate functional evidence supporting abnormal protein function. This variant has been proven to result in protein mislocalization into the endoplasmic reticulum, with significantly reduced secretion (PMID: 17407100). (SP) 1208 - Inheritance information for this variant is not currently available in this individual. (I) Legend: (SP) - Supporting pathogenic, (I) - Information, (SB) - Supporting benign

Department of Pathology and Laboratory Medicine, Sinai Health System
Classification: Likely pathogenic for Complement component 7 deficiency. Last evaluated: 2023-02-08. Review status: criteria provided, single submitter. Criteria: ACMG Guidelines, 2015. Collection method: research. Allele origin: germline.

Labcorp Genetics (formerly Invitae), Labcorp
Classification: Uncertain significance. Last evaluated: 2022-10-25. Review status: criteria provided, single submitter. Criteria: Invitae Variant Classification Sherloc (09022015). Collection method: clinical testing. Allele origin: germline.
Comment: This sequence change replaces arginine, which is basic and polar, with serine, which is neutral and polar, at codon 521 of the C7 protein (p.Arg521Ser). This variant is present in population databases (rs121964920, gnomAD 0.4%), and has an allele count higher than expected for a pathogenic variant. This missense change has been observed in individual(s) with complement component 7 (C7) deficiency (PMID: 8871666, 16771861, 17407100, 19931914). This variant is also known as R499S. ClinVar contains an entry for this variant (Variation ID: 12105). Advanced modeling of protein sequence and biophysical properties (such as structural, functional, and spatial information, amino acid conservation, physicochemical variation, residue mobility, and thermodynamic stability) performed at Invitae indicates that this missense variant is expected to disrupt C7 protein function. Experimental studies have shown that this missense change affects C7 function (PMID: 17407100). In summary, the available evidence is currently insufficient to determine the role of this variant in disease. Therefore, it has been classified as a Variant of Uncertain Significance.

HudsonAlpha Institute for Biotechnology
Classification: Likely pathogenic for Complement component 7 deficiency. Last evaluated: 2022-04-28. Review status: criteria provided, single submitter. Criteria: ACMG Guidelines, 2015. Collection method: research. Allele origin: unknown. Affected: yes. Observed: 1 variant allele. Study: HudsonAlpha-AGHI-WGS.
Comment: ACMG codes: PS3, PS4_supporting, PM2_supporting, PP1

Clinical Genomics Laboratory, Stanford Medicine
Classification: Likely pathogenic for Complement component 7 deficiency. Last evaluated: 2022-03-23. Review status: criteria provided, single submitter. Criteria: ACMG Guidelines, 2015. Collection method: clinical testing. Allele origin: germline. Inheritance: Autosomal recessive inheritance. Observed: 1 variant allele, 1 heterozygote.
Comment: The p.Arg521Ser variant (also referred to as R499S in the literature) in the C7 gene has been previously reported in at least 4 unrelated individuals with features consistent with C7 deficiency (Barroso et al., 2006; Fernie et al., 1996; Rameix-Welti et al., 2007; Rosain et al., 2017). All individuals were homozygous or compound heterozygous. The p.Arg521Ser variant was determined to be in trans with a disease-associated variants (p.Gly379Arg; c.2350+2T>C; p.Cys464X), consistent with autosomal recessive inheritance. The presence of this variant with a disease-causing variant on the opposite allele increases suspicion for its pathogenicity. The p.Arg521Ser variant has also been identified in 526/127,222 European (non-Finnish) chromosomes by the Genome Aggregation Database. Although this variant has been seen in the general population, its frequency is low enough to be consistent with a recessive carrier frequency of C7 deficiency. Functional studies of this variant are supportive of a deleterious effect to the protein; however, it is unclear if this would be sufficient to be disease-causing (Rameix-Welti et al., 2007). Computational tools predict that this variant does not impact protein function; however, the accuracy of in silico algorithms is limited. These data were assessed using the ACMG/AMP variant interpretation guidelines. In summary, there is sufficient evidence to classify the p.Arg521Ser variant as likely pathogenic for C7 deficiency in an autosomal recessive manner based on the information above. [ACMG evidence codes used: PS3_moderate; PM3_strong]

Institute for Clinical Genetics, University Hospital TU Dresden, University Hospital TU Dresden
Classification: Uncertain significance. Last evaluated: 2021-11-03. Review status: criteria provided, single submitter. Criteria: ACMG Guidelines, 2015. Collection method: clinical testing. Allele origin: germline.

Baylor Genetics
Classification: Pathogenic for Complement component 7 deficiency. Last evaluated: 2018-01-03. Review status: criteria provided, single submitter. Criteria: ACMG Guidelines, 2015. Collection method: clinical testing. Allele origin: paternal. Affected: yes.
Comment: This variant was determined to be pathogenic according to ACMG Guidelines, 2015 [PMID:25741868]. This variant has been previously reported as disease causing [PMID 8871666] This variant has been previously reported in patients with complement component 7 deficiency [PMID 8871666, 16771861]

Neuberg Centre For Genomic Medicine, NCGM
Classification: Pathogenic for Complement component 7 deficiency. Review status: criteria provided, single submitter. Criteria: ACMG Guidelines, 2015. Collection method: clinical testing. Allele origin: germline. Inheritance: Autosomal recessive inheritance. Affected: yes.
Comment: The observed missense c.1561C>A p.Arg521Ser variant in C7 gene has been observed in individuals with complement component 7 C7 deficiency Fernie et al., 1996; Barroso et al., 2006; Rameix-Welti et al., 2007; Kuijpers et al., 2010. Experimental studies have shown that this missense change affects C7 function Rameix-Welti et al., 2007 The p.Arg521Ser variant is present with allele frequency of 0.2% in gnomAD Exomes. This variant has been submitted to the ClinVar database as Uncertain Significance/ Likely Pathogenic/ Pathogenic multiple submissions. Multiple lines of computational evidence Polyphen - Probably Damaging, SIFT - Damaging and MutationTaster - Disease causing predict a damaging effect on protein structure and function for this variant. The reference amino acid of p.Arg521Ser in C7 is predicted as conserved by GERP++ and PhyloP across 100 vertebrates. The amino acid Arg at position 521 is changed to a Ser changing protein sequence and it might alter its composition and physico-chemical properties. For these reasons, this variant has been classified as Pathogenic. In absence of another reportable variant in C7 gene, the molecular diagnosis is not confirmed.

OMIM
Classification: Pathogenic for C7 DEFICIENCY. Last evaluated: 2006-06-01. Review status: no assertion criteria provided. Collection method: literature only. Allele origin: germline. Not counted in ClinVar's aggregate classification.

OMIM
Classification: Pathogenic for C7 AND C6 DEFICIENCY, COMBINED SUBTOTAL. Last evaluated: 2006-06-01. Review status: no assertion criteria provided. Collection method: literature only. Allele origin: germline. Not counted in ClinVar's aggregate classification.

Literature cited by the submitters: PubMed 9856499 (cited by Ambry Genetics); PubMed 16771861 (cited by 6 submitters); PubMed 17407100 (cited by 6 submitters); PubMed 19931914 (cited by 3 submitters); PubMed 8871666 (cited by 7 submitters); PubMed 31440263 (cited by Victorian Clinical Genetics Services, Murdoch Childrens Research Institute); PubMed 33386334 (cited by Victorian Clinical Genetics Services, Murdoch Childrens Research Institute); PubMed 28368462 (cited by Clinical Genomics Laboratory, Stanford Medicine).